The following is an entry in ClinVar:

ClinVar aggregate classification (germline): Uncertain significance (1 of 4 stars; one submission).

Allele frequency attached by ClinVar (database versions not stated): ExAC 0.00007; gnomAD exomes 0.00007 and 0.00021; ESP Exome Variant Server 0.00023.
gnomAD v4.1: 310 of 1,581,872 alleles (0.02%); highest among the groups gnomAD compares: Non-Finnish European, 0.025%; no homozygotes.

Submission:

Labcorp Genetics (formerly Invitae), Labcorp
Classification: Uncertain significance. Last evaluated: 2025-08-21. Review status: criteria provided, single submitter. Criteria: Invitae Variant Classification Sherloc (09022015). Collection method: clinical testing. Allele origin: germline.
Comment: This sequence change replaces asparagine, which is neutral and polar, with isoleucine, which is neutral and non-polar, at codon 799 of the CCDC88A protein (p.Asn799Ile). This variant is present in population databases (rs200918324, gnomAD 0.02%). This variant has not been reported in the literature in individuals affected with CCDC88A-related conditions. ClinVar contains an entry for this variant (Variation ID: 1493744). An algorithm developed to predict the effect of missense changes on protein structure and function (PolyPhen-2) suggests that this variant is likely to be disruptive. In summary, the available evidence is currently insufficient to determine the role of this variant in disease. Therefore, it has been classified as a Variant of Uncertain Significance.

NM_001365480.1(CCDC88A):c.2396A>T (p.Asn799Ile)

Gene: CCDC88A (coiled-coil and HOOK domain protein 88A; minus strand). Cytogenetic location: 2p16.1.
Variant type: single nucleotide variant.
Coding change: c.2396A>T on transcript NM_001365480.1 (MANE Select); coding-DNA position 2396, A replaced by T.
Protein change: p.Asn799Ile; replaces asparagine 799 with isoleucine.
Molecular consequence: missense variant.
Genome position (GRCh38, 1-based): chr2:55,334,425, T>A on the plus strand (A>T on the coding strand, the complement: CCDC88A is on the minus strand). VCF-style: chr2-55334425-T-A. GRCh37 (hg19) VCF-style: chr2-55561561-T-A.
Other names: c.2396A>T, p.Asn799Ile (NM_001135597.2, NM_001254943.2, NM_018084.5); short protein forms N799I.
Identifiers: ClinVar variation 1493744 (VCV001493744.4), dbSNP rs200918324, ClinGen allele CA1665989.